The following is an entry in ClinVar:

NM_000214.3(JAG1):c.2690dup (p.Cys897fs)

Gene: JAG1 (jagged canonical Notch ligand 1; minus strand). Cytogenetic location: 20p12.2.
Variant type: Duplication.
Coding change: c.2690dup on transcript NM_000214.3 (MANE Select); coding-DNA position 2690, one base duplicated (G; older notation c.2690dupG).
Protein change: p.Cys897fs; shifts the reading frame from cysteine 897.
Molecular consequence: frameshift variant.
Genome position (GRCh38, 1-based): chr20:10,641,686, C duplicated on the plus strand (G on the coding strand, the reverse complement: JAG1 is on the minus strand). VCF-style (leftmost placement, unchanged base first): chr20-10641685-A-AC. GRCh37 (hg19) VCF-style: chr20-10622333-A-AC.
Other names: short protein forms C897fs.
Identifiers: ClinVar variation 860325 (VCV000860325.7), dbSNP rs2067273607, ClinGen allele CA916083743.
Genomic context (GRCh38, chr20:10,641,685, plus strand): 5'-GCAGCTCTGCCCGCTGGGGCACTCGCTGTGCCCTTTGTGGAGCAGGCAAGGTCGAGGGCC[A>AC]CACCAGACCTGGAGAAAAACAGAAGCTGGCAGCTTAGCAGGCATGCTCATCCCTGATTCC-3'

ClinVar aggregate classification (germline): Pathogenic (1 of 4 stars; one submission).

Conditions:
Alagille syndrome due to a JAG1 point mutation. Also called: HEPATIC DUCTULAR HYPOPLASIA, SYNDROMATIC; Alagille Syndrome 1; JAG1-Related Alagille Syndrome. Identifiers: Orphanet 261619, Orphanet 52, MedGen C1956125, MONDO:0016862, OMIM 118450.

Submission:

Labcorp Genetics (formerly Invitae), Labcorp
Classification: Pathogenic for Alagille syndrome due to a JAG1 point mutation. Last evaluated: 2019-11-28. Review status: criteria provided, single submitter. Criteria: Invitae Variant Classification Sherloc (09022015). Collection method: clinical testing. Allele origin: germline.
Comment: For these reasons, this variant has been classified as Pathogenic. Loss-of-function variants in JAG1 are known to be pathogenic (PMID: 11180599). This variant has not been reported in the literature in individuals with JAG1-related conditions. This variant is not present in population databases (ExAC no frequency). This sequence change creates a premature translational stop signal (p.Cys897Trpfs*55) in the JAG1 gene. It is expected to result in an absent or disrupted protein product.

Literature cited by the submitters: PubMed 11180599.